The following is an entry in ClinVar:

ClinVar aggregate classification (germline): Uncertain significance (1 of 4 stars; one submission).

Conditions:
Inborn genetic diseases. Identifiers: MedGen C0950123, MeSH D030342.

Submission:

Ambry Genetics
Classification: Uncertain significance for Inborn genetic diseases. Last evaluated: 2025-08-29. Review status: criteria provided, single submitter. Criteria: Ambry Variant Classification Scheme 2023. Collection method: clinical testing. Allele origin: germline.
Comment: The p.L126F variant (also known as c.376C>T), located in coding exon 4 of the FANCG gene, results from a C to T substitution at nucleotide position 376. The leucine at codon 126 is replaced by phenylalanine, an amino acid with highly similar properties. This amino acid position is conserved. In addition, this alteration is predicted to be tolerated by in silico analysis. Based on the available evidence, the clinical significance of this variant remains unclear.

NM_004629.2(FANCG):c.376C>T (p.Leu126Phe)

Gene: FANCG (FA complementation group G; minus strand). Cytogenetic location: 9p13.3.
Variant type: single nucleotide variant.
Coding change: c.376C>T on transcript NM_004629.2 (MANE Select); coding-DNA position 376, C replaced by T.
Protein change: p.Leu126Phe; replaces leucine 126 with phenylalanine.
Molecular consequence: missense variant.
Genome position (GRCh38, 1-based): chr9:35,078,275, G>A on the plus strand (C>T on the coding strand, the complement: FANCG is on the minus strand). VCF-style: chr9-35078275-G-A. GRCh37 (hg19) VCF-style: chr9-35078272-G-A.
Other names: short protein forms L126F.
Identifiers: ClinVar variation 4254489 (VCV004254489.1).